The following is an entry in ClinVar:

ClinVar aggregate classification (germline): Uncertain significance (1 of 4 stars; one submission).

Conditions:
Early-infantile DEE. Also called: Ohtahara syndrome; Early infantile epileptic encephalopathy; Early infantile epileptic encephalopathy with suppression bursts. Identifiers: Orphanet 1934, MedGen C0393706, MONDO:0800491.

Submission:

Labcorp Genetics (formerly Invitae), Labcorp
Classification: Uncertain significance for Early-infantile DEE. Last evaluated: 2024-01-31. Review status: criteria provided, single submitter. Criteria: Invitae Variant Classification Sherloc (09022015). Collection method: clinical testing. Allele origin: germline.
Comment: This sequence change replaces asparagine, which is neutral and polar, with aspartic acid, which is acidic and polar, at codon 797 of the SCN1A protein (p.Asn797Asp). This variant is not present in population databases (gnomAD no frequency). This variant has not been reported in the literature in individuals affected with SCN1A-related conditions. Advanced modeling of protein sequence and biophysical properties (such as structural, functional, and spatial information, amino acid conservation, physicochemical variation, residue mobility, and thermodynamic stability) performed at Invitae indicates that this missense variant is not expected to disrupt SCN1A protein function with a negative predictive value of 95%. In summary, the available evidence is currently insufficient to determine the role of this variant in disease. Therefore, it has been classified as a Variant of Uncertain Significance.

NM_001165963.4(SCN1A):c.2389A>G (p.Asn797Asp)

Gene: SCN1A (sodium voltage-gated channel alpha subunit 1; minus strand). Cytogenetic location: 2q24.3.
Variant type: single nucleotide variant.
Coding change: c.2389A>G on transcript NM_001165963.4 (MANE Select); coding-DNA position 2389, A replaced by G.
Protein change: p.Asn797Asp; replaces asparagine 797 with aspartic acid.
Molecular consequence: missense variant. On other transcripts: 5 prime UTR variant (1), non-coding transcript variant (1).
Genome position (GRCh38, 1-based): chr2:166,041,257, T>C on the plus strand (A>G on the coding strand, the complement: SCN1A is on the minus strand). VCF-style: chr2-166041257-T-C. GRCh37 (hg19) VCF-style: chr2-166897767-T-C.
Other names: c.2356A>G, p.Asn786Asp (NM_001353952.2, NM_006920.6, NM_001353949.2 and 2 more transcripts); c.2353A>G, p.Asn785Asp (NM_001353954.2, NM_001353955.2); c.2305A>G, p.Asn769Asp (NM_001353957.2, NM_001353958.2, NM_001165964.3); c.2302A>G, p.Asn768Asp (NM_001353960.2); c.-70A>G (NM_001353961.2); c.2389A>G, p.Asn797Asp (NM_001202435.3, NM_001353948.2); short protein forms N769D, N785D, N786D, N797D, N768D.
Identifiers: ClinVar variation 2764527 (VCV002764527.3), dbSNP rs2468129990, ClinGen allele CA349063803.